The following is an entry in ClinVar:

NM_015192.4(PLCB1):c.3357del (p.Lys1119fs)

Gene: PLCB1 (phospholipase C beta 1; plus strand). Cytogenetic location: 20p12.3.
Variant type: Deletion.
Coding change: c.3357del on transcript NM_015192.4 (MANE Select); coding-DNA position 3357, one base deleted (A; older notation c.3357delA).
Protein change: p.Lys1119fs; shifts the reading frame from lysine 1119.
Molecular consequence: frameshift variant.
Genome position (GRCh38, 1-based): chr20:8,790,195, A deleted; the last of 3 consecutive A bases (chr20:8,790,193-8,790,195); deleting any one gives the same sequence. VCF-style (leftmost placement, unchanged base first): chr20-8790192-TA-T. GRCh37 (hg19) VCF-style: chr20-8770839-TA-T.
Other names: c.3357del, p.Lys1119fs (NM_182734.3); short protein forms K1119fs.
Identifiers: ClinVar variation 4733406 (VCV004733406.1).
Genomic context (GRCh38, chr20:8,790,192, plus strand): 5'-AAATGTTTAGATGAAAGTAATGTTTCTTGTAACTTTCTTATAGCTAGAAGAAGCGCAAAG[TA>T]AACGGCAAGAAAAACTCGTAGAGAAACACAAGGAAATACGTCAGCAGATCCTGGATGAAA-3'

ClinVar aggregate classification (germline): Pathogenic (1 of 4 stars; one submission).

Conditions:
Developmental and epileptic encephalopathy, 12 (DEE12). Identifiers: MedGen C3150988, MONDO:0013389, OMIM 613722.

Submission:

Labcorp Genetics (formerly Invitae), Labcorp
Classification: Pathogenic for Developmental and epileptic encephalopathy, 12. Last evaluated: 2025-12-16. Review status: criteria provided, single submitter. Criteria: Invitae Variant Classification Sherloc (09022015). Collection method: clinical testing. Allele origin: germline.
Comment: This sequence change creates a premature translational stop signal (p.Lys1119Asnfs*7) in the PLCB1 gene. It is expected to result in an absent or disrupted protein product. Loss-of-function variants in PLCB1 are known to be pathogenic (PMID: 24684524). This variant is not present in population databases (gnomAD no frequency). This variant has not been reported in the literature in individuals affected with PLCB1-related conditions. For these reasons, this variant has been classified as Pathogenic.

Literature cited by the submitters: PubMed 24684524.